The following is an entry in ClinVar:

NM_007186.6(CEP250):c.850C>T (p.Arg284Trp)

Gene: CEP250 (centrosomal protein 250; plus strand). Cytogenetic location: 20q11.22.
Variant type: single nucleotide variant.
Coding change: c.850C>T on transcript NM_007186.6 (MANE Select); coding-DNA position 850, C replaced by T.
Protein change: p.Arg284Trp; replaces arginine 284 with tryptophan.
Molecular consequence: missense variant. On other transcripts: 5 prime UTR variant (1).
Genome position (GRCh38, 1-based): chr20:35,467,554, C>T. VCF-style: chr20-35467554-C-T. GRCh37 (hg19) VCF-style: chr20-34055379-C-T.
Other names: c.-1050C>T (NM_001318219.1); c.850C>T (NM_007186.3); short protein forms R284W.
Identifiers: ClinVar variation 1501097 (VCV001501097.7), dbSNP rs746586998, ClinGen allele CA9832714.
Genomic context (GRCh38, chr20:35,467,554, plus strand): 5'-AGCCAGGAGTTAATACAGCTGAAGAGTCAAGGGGATCTGGAGAAGGCTGAACTTCAGGAC[C>T]GGTGAGATGGCCTGGGGTCCCAAGAAGGGTTCGCTGAGAGAGAGCTGACTCCTTTAGAGG-3'
Protein context (NP_009117.2, residues 274-294): GDLEKAELQD[Arg284Trp]VTELSALLTQ

ClinVar aggregate classification (germline): Uncertain significance. Review status: criteria provided, multiple submitters, no conflicts (2 of 4 stars). 2 submissions from 2 submitters: Uncertain significance (2). Last evaluated 2025-06-03.

Allele frequency attached by ClinVar (database versions not stated): TOPMed 0.00001; ExAC 0.00002; gnomAD 0.00002; gnomAD exomes 0.00002.
gnomAD v4.1: 24 of 1,612,734 alleles (0.0015%); highest among the groups gnomAD compares: South Asian, 0.0022%; no homozygotes.

Submissions (2):

Ambry Genetics
Classification: Uncertain significance. Last evaluated: 2025-06-03. Review status: criteria provided, single submitter. Criteria: Ambry Variant Classification Scheme 2023. Collection method: clinical testing. Allele origin: germline.

Labcorp Genetics (formerly Invitae), Labcorp
Classification: Uncertain significance. Last evaluated: 2022-10-04. Review status: criteria provided, single submitter. Criteria: Invitae Variant Classification Sherloc (09022015). Collection method: clinical testing. Allele origin: germline.
Comment: In summary, the available evidence is currently insufficient to determine the role of this variant in disease. Therefore, it has been classified as a Variant of Uncertain Significance. Algorithms developed to predict the effect of missense changes on protein structure and function are either unavailable or do not agree on the potential impact of this missense change (SIFT: "Not Available"; PolyPhen-2: "Probably Damaging"; Align-GVGD: "Not Available"). ClinVar contains an entry for this variant (Variation ID: 1501097). This variant has not been reported in the literature in individuals affected with CEP250-related conditions. This variant is present in population databases (rs746586998, gnomAD 0.006%). This sequence change replaces arginine, which is basic and polar, with tryptophan, which is neutral and slightly polar, at codon 284 of the CEP250 protein (p.Arg284Trp).